The following is an entry in ClinVar:

NM_014363.6(SACS):c.12849A>G (p.Arg4283=)

Gene: SACS (sacsin molecular chaperone; minus strand). Cytogenetic location: 13q12.12.
Variant type: single nucleotide variant.
Coding change: c.12849A>G on transcript NM_014363.6 (MANE Select); coding-DNA position 12849, A replaced by G.
Protein change: p.Arg4283=; no amino-acid change (arginine 4283 retained).
Molecular consequence: synonymous variant.
Genome position (GRCh38, 1-based): chr13:23,331,027, T>C on the plus strand (A>G on the coding strand, the complement: SACS is on the minus strand). VCF-style: chr13-23331027-T-C. GRCh37 (hg19) VCF-style: chr13-23905166-T-C.
Other names: c.12408A>G, p.Arg4136= (NM_001278055.2).
Identifiers: ClinVar variation 2060230 (VCV002060230.22), dbSNP rs773771835, ClinGen allele CA6910065.

ClinVar aggregate classification (germline): Likely benign. Review status: criteria provided, multiple submitters, no conflicts (2 of 4 stars). 2 submissions from 2 submitters: Likely benign (2). Last evaluated 2024-06-01.

Conditions:
Spastic paraplegia. Identifiers: MedGen C0037772, HP:0001258.

Allele frequency attached by ClinVar (database versions not stated): ExAC 0.00001; gnomAD 0.00001; gnomAD exomes 0.00001; TOPMed 0.00002.
gnomAD v4.1: 9 of 1,614,022 alleles (0.00056%); highest among the groups gnomAD compares: East Asian, 0.016%; no homozygotes.

Submissions (2):

CeGaT Center for Human Genetics Tuebingen
Classification: Likely benign. Last evaluated: 2024-06-01. Review status: criteria provided, single submitter. Criteria: CeGaT Center For Human Genetics Tuebingen Variant Classification Criteria Version 2. Collection method: clinical testing. Allele origin: germline. Affected: yes. Observed: 1 variant allele.
Comment: SACS: BP4, BP7

Labcorp Genetics (formerly Invitae), Labcorp
Classification: Likely benign for Spastic paraplegia. Last evaluated: 2024-02-06. Review status: criteria provided, single submitter. Criteria: Invitae Variant Classification Sherloc (09022015). Collection method: clinical testing. Allele origin: germline.